The following is an entry in ClinVar:

ClinVar aggregate classification (germline): Benign. Review status: criteria provided, multiple submitters, no conflicts (2 of 4 stars). 3 submissions from 3 submitters: Benign (2). 1 of the submissions does not count toward it. Last evaluated 2019-12-31.

Conditions:
KIF26B-related disorder. Also called: KIF26B-related condition.

Allele frequency attached by ClinVar (database versions not stated): gnomAD exomes 0.00775; ExAC 0.00934; ESP Exome Variant Server 0.02917; gnomAD 0.02926 and 0.03148; 1000 Genomes Project 0.03295; TOPMed 0.03338; 1000 Genomes Project 30x 0.03592.
gnomAD v4.1: 8,941 of 1,613,952 alleles (0.55%); highest among the groups gnomAD compares: African/African-American, 10%; 413 homozygotes.

Submissions (17):

Labcorp Genetics (formerly Invitae), Labcorp
Classification: Benign. Last evaluated: 2019-12-31. Review status: criteria provided, single submitter. Criteria: Invitae Variant Classification Sherloc (09022015). Collection method: clinical testing. Allele origin: germline.

Breakthrough Genomics
Classification: Benign. Review status: criteria provided, single submitter. Criteria: ACMG Guidelines, 2015. Collection method: not provided. Allele origin: germline. Inheritance: Unknown mechanism. Affected: yes.

PreventionGenetics, part of Exact Sciences
Classification: Benign for KIF26B-related condition. Last evaluated: 2019-02-16. Review status: no assertion criteria provided. Collection method: clinical testing. Allele origin: germline. Not counted in ClinVar's aggregate classification.
Comment: This variant is classified as benign based on ACMG/AMP sequence variant interpretation guidelines (Richards et al. 2015 PMID: 25741868, with internal and published modifications).

Dr. Peter K. Rogan Lab, Western University
No classification provided (evidence only). Condition: Lung cancer. Review status: no classification provided. Collection method: in vitro. Allele origin: not applicable. Functional consequence: retained intron. Not counted in ClinVar's aggregate classification.

Dr. Peter K. Rogan Lab, Western University
No classification provided (evidence only). Condition: Lung cancer. Review status: no classification provided. Collection method: in vitro. Allele origin: not applicable. Functional consequence: retained intron. Not counted in ClinVar's aggregate classification.

Dr. Peter K. Rogan Lab, Western University
No classification provided (evidence only). Condition: Lung cancer. Review status: no classification provided. Collection method: in vitro. Allele origin: not applicable. Functional consequence: retained intron. Not counted in ClinVar's aggregate classification.

Dr. Peter K. Rogan Lab, Western University
No classification provided (evidence only). Condition: Colon adenocarcinoma. Review status: no classification provided. Collection method: in vitro. Allele origin: not applicable. Functional consequence: retained intron. Not counted in ClinVar's aggregate classification.

Dr. Peter K. Rogan Lab, Western University
No classification provided (evidence only). Condition: Thyroid cancer, nonmedullary, 1. Review status: no classification provided. Collection method: in vitro. Allele origin: not applicable. Functional consequence: retained intron. Not counted in ClinVar's aggregate classification.

Dr. Peter K. Rogan Lab, Western University
No classification provided (evidence only). Condition: Uterine corpus endometrial carcinoma. Review status: no classification provided. Collection method: in vitro. Allele origin: not applicable. Functional consequence: retained intron. Not counted in ClinVar's aggregate classification.

Dr. Peter K. Rogan Lab, Western University
No classification provided (evidence only). Condition: Uterine corpus endometrial carcinoma. Review status: no classification provided. Collection method: in vitro. Allele origin: not applicable. Functional consequence: retained intron. Not counted in ClinVar's aggregate classification.

Dr. Peter K. Rogan Lab, Western University
No classification provided (evidence only). Condition: Uterine corpus endometrial carcinoma. Review status: no classification provided. Collection method: in vitro. Allele origin: not applicable. Functional consequence: retained intron. Not counted in ClinVar's aggregate classification.

Dr. Peter K. Rogan Lab, Western University
No classification provided (evidence only). Condition: Cervical cancer. Review status: no classification provided. Collection method: in vitro. Allele origin: not applicable. Functional consequence: retained intron. Not counted in ClinVar's aggregate classification.

Dr. Peter K. Rogan Lab, Western University
No classification provided (evidence only). Condition: Cervical cancer. Review status: no classification provided. Collection method: in vitro. Allele origin: not applicable. Functional consequence: retained intron. Not counted in ClinVar's aggregate classification.

Dr. Peter K. Rogan Lab, Western University
No classification provided (evidence only). Condition: Sarcoma. Review status: no classification provided. Collection method: in vitro. Allele origin: not applicable. Functional consequence: retained intron. Not counted in ClinVar's aggregate classification.

Dr. Peter K. Rogan Lab, Western University
No classification provided (evidence only). Condition: Nonpapillary renal cell carcinoma. Review status: no classification provided. Collection method: in vitro. Allele origin: not applicable. Functional consequence: retained intron. Not counted in ClinVar's aggregate classification.

Dr. Peter K. Rogan Lab, Western University
No classification provided (evidence only). Condition: Ovarian serous cystadenocarcinoma. Review status: no classification provided. Collection method: in vitro. Allele origin: not applicable. Functional consequence: retained intron. Not counted in ClinVar's aggregate classification.

Dr. Peter K. Rogan Lab, Western University
No classification provided (evidence only). Condition: Gastric cancer. Review status: no classification provided. Collection method: in vitro. Allele origin: not applicable. Functional consequence: retained intron. Not counted in ClinVar's aggregate classification.

NM_018012.4(KIF26B):c.6131C>T (p.Ala2044Val)

Gene: KIF26B (kinesin family member 26B; plus strand). Cytogenetic location: 1q44.
Variant type: single nucleotide variant.
Coding change: c.6131C>T on transcript NM_018012.4 (MANE Select); coding-DNA position 6131, C replaced by T.
Protein change: p.Ala2044Val; replaces alanine 2044 with valine.
Molecular consequence: missense variant.
Genome position (GRCh38, 1-based): chr1:245,698,990, C>T. VCF-style: chr1-245698990-C-T. GRCh37 (hg19) VCF-style: chr1-245862292-C-T.
Other names: NC_000001.10:g.245862292C>T; short protein forms A2044V.
Identifiers: ClinVar variation 778814 (VCV000778814.8), dbSNP rs61734432, ClinGen allele CA1488871.